The following is an entry in ClinVar:

ClinVar aggregate classification (germline): Likely benign (0 of 4 stars; one submission).

Conditions:
SEMA3G-related disorder. Also called: SEMA3G-related condition.

gnomAD v4.1: 1 of 1,607,744 alleles (0.000062%); highest among the groups gnomAD compares: Admixed American, 0.0017%; no homozygotes.

Submission:

PreventionGenetics, part of Exact Sciences
Classification: Likely benign for SEMA3G-related condition. Last evaluated: 2023-04-14. Review status: no assertion criteria provided. Collection method: clinical testing. Allele origin: germline.
Comment: This variant is classified as likely benign based on ACMG/AMP sequence variant interpretation guidelines (Richards et al. 2015 PMID: 25741868, with internal and published modifications).

NM_020163.3(SEMA3G):c.550+7G>A

Gene: SEMA3G (semaphorin 3G; minus strand). Cytogenetic location: 3p21.1.
Variant type: single nucleotide variant.
Coding change: c.550+7G>A on transcript NM_020163.3 (MANE Select); 7 bases into the intron after coding-DNA position 550, G replaced by A.
Molecular consequence: intron variant.
Genome position (GRCh38, 1-based): chr3:52,441,812, C>T on the plus strand (G>A on the coding strand, the complement: SEMA3G is on the minus strand). VCF-style: chr3-52441812-C-T. GRCh37 (hg19) VCF-style: chr3-52475828-C-T.
Identifiers: ClinVar variation 3356080 (VCV003356080.1).